The following is an entry in ClinVar:

ClinVar aggregate classification (germline): Conflicting classifications of pathogenicity. Review status: criteria provided, conflicting classifications (1 of 4 stars). 2 submissions from 2 submitters: Uncertain significance (1); Likely benign (1). Last evaluated 2024-09-20.

Conditions:
Exostoses, multiple, type 1 (EXT1). Also called: EXOSTOSES, MULTIPLE, TYPE I; Hereditary Multiple Osteochondromatosis, Type I. Identifiers: MedGen CN263289, MONDO:0007585, OMIM 133700.
Chondrosarcoma. Also called: Chondrosarcoma, somatic. Identifiers: Orphanet 55880, MedGen C0008479, MONDO:0008977, OMIM 215300, HP:0006765.

Submissions (2):

3billion
Classification: Likely benign for Exostoses, multiple, type 1. Last evaluated: 2024-09-20. Review status: criteria provided, single submitter. Criteria: ACMG Guidelines, 2015. Collection method: clinical testing. Allele origin: germline. Affected: no.
Comment: The variant was identified in at least one patient who was diagnosed with a different variant in another gene and showed no symptoms related to the gene containing the variant in question.

Baylor Genetics
Classification: Uncertain significance for Chondrosarcoma. Last evaluated: 2023-08-11. Review status: criteria provided, single submitter. Criteria: ACMG Guidelines, 2015. Collection method: clinical testing. Allele origin: unknown.

NM_000127.3(EXT1):c.977A>G (p.Glu326Gly)

Gene: EXT1 (exostosin glycosyltransferase 1; minus strand). Cytogenetic location: 8q24.11.
Variant type: single nucleotide variant.
Coding change: c.977A>G on transcript NM_000127.3 (MANE Select); coding-DNA position 977, A replaced by G.
Protein change: p.Glu326Gly; replaces glutamic acid 326 with glycine.
Molecular consequence: missense variant.
Genome position (GRCh38, 1-based): chr8:117,837,187, T>C on the plus strand (A>G on the coding strand, the complement: EXT1 is on the minus strand). VCF-style: chr8-117837187-T-C. GRCh37 (hg19) VCF-style: chr8-118849426-T-C.
Other names: short protein forms E326G.
Identifiers: ClinVar variation 2675162 (VCV002675162.2), dbSNP rs2488135392, ClinGen allele CA371893374.